The following is an entry in ClinVar:

NM_001040108.2(MLH3):c.3956G>A (p.Gly1319Glu)

Gene: MLH3 (mutL homolog 3; minus strand). Cytogenetic location: 14q24.3.
Variant type: single nucleotide variant.
Coding change: c.3956G>A on transcript NM_001040108.2 (MANE Select); coding-DNA position 3956, G replaced by A.
Protein change: p.Gly1319Glu; replaces glycine 1319 with glutamic acid.
Molecular consequence: missense variant.
Genome position (GRCh38, 1-based): chr14:75,030,574, C>T on the plus strand (G>A on the coding strand, the complement: MLH3 is on the minus strand). VCF-style: chr14-75030574-C-T. GRCh37 (hg19) VCF-style: chr14-75497277-C-T.
Other names: c.3884G>A, p.Gly1295Glu (NM_014381.3); short protein forms G1295E, G1319E.
Identifiers: ClinVar variation 3232563 (VCV003232563.1), dbSNP rs2503116766, ClinGen allele CA390422536.
Genomic context (GRCh38, chr14:75,030,574, plus strand): 5'-TTTCCTTAACATCTGCAGCTGTGTCTTACCTCCACAATACTCTTGGTCACAGTAGATCTT[C>T]CTCTCCGAAGTTCATTGGCTTCTCTTTCCACAAAACATAGTGGTACTTTTCCCACAAGGA-3'
Protein context (NP_001035197.1, residues 1309-1329): VEREANELRR[Gly1319Glu]RSTVTKSIVE

ClinVar aggregate classification (germline): Uncertain significance (1 of 4 stars; one submission).

Submission:

Ambry Genetics
Classification: Uncertain significance. Last evaluated: 2022-09-24. Review status: criteria provided, single submitter. Criteria: Ambry Variant Classification Scheme 2023. Collection method: clinical testing. Allele origin: germline.
Comment: The p.G1319E variant (also known as c.3956G>A), located in coding exon 8 of the MLH3 gene, results from a G to A substitution at nucleotide position 3956. The glycine at codon 1319 is replaced by glutamic acid, an amino acid with similar properties. This amino acid position is conserved. In addition, this alteration is predicted to be deleterious by in silico analysis. Since supporting evidence is limited at this time, the clinical significance of this alteration remains unclear.